The following is an entry in ClinVar:

NM_001148.6(ANK2):c.1386+87A>G

Gene: ANK2 (ankyrin 2; plus strand). Cytogenetic location: 4q26.
Variant type: single nucleotide variant.
Coding change: c.1386+87A>G on transcript NM_001148.6 (MANE Select); 87 bases into the intron after coding-DNA position 1386, A replaced by G.
Molecular consequence: intron variant.
Genome position (GRCh38, 1-based): chr4:113,258,498, A>G. VCF-style: chr4-113258498-A-G. GRCh37 (hg19) VCF-style: chr4-114179654-A-G.
Other names: c.1374+87A>G (NM_001386186.2, NM_001386148.2); c.1176+2566A>G (NM_001354269.3); c.1350+87A>G (NM_001386187.2); c.1344+87A>G (NM_001386147.1, NM_001386160.1, NM_001354261.2); c.1323+87A>G (NM_001354254.2, NM_001354239.2, NM_001354252.2 and 14 more transcripts); c.1299+87A>G (NM_001354249.2, NM_001354266.2, NM_001354276.2 and 13 more transcripts); c.1101+2566A>G (NM_001386157.1, NM_001354277.2, NM_001386158.1); c.1431+87A>G (NM_001354241.2, NM_001386152.1, NM_001354237.2 and 5 more transcripts); and 4 more.
Identifiers: ClinVar variation 676080 (VCV000676080.1), dbSNP rs58340138, ClinGen allele CA103807614.
Genomic context (GRCh38, chr4:113,258,498, plus strand): 5'-CCCAGGGAGGAAGAGCGAGAGGAACAGAGATTGTGGGTGTGTGTATGTGTGTTTGCGTGT[A>G]TGTCATCGAAGTAAGCAACCAAGCTTTGAGAAGGGCCCTTGTAATAACACATTATTGAAA-3'

ClinVar aggregate classification (germline): Likely benign (1 of 4 stars; one submission).

Allele frequency attached by ClinVar (database versions not stated): gnomAD 0.00696 and 0.00739; 1000 Genomes Project 0.00739; TOPMed 0.00755; 1000 Genomes Project 30x 0.00828.
gnomAD v4.1: 1,829 of 1,322,326 alleles (0.14%); highest among the groups gnomAD compares: African/African-American, 2.4%; 21 homozygotes.

Submission:

GeneDx
Classification: Likely benign. Last evaluated: 2018-06-14. Review status: criteria provided, single submitter. Criteria: GeneDx Variant Classification (06012015). Collection method: clinical testing. Allele origin: germline. Affected: yes.
Comment: This variant is considered likely benign or benign based on one or more of the following criteria: it is a conservative change, it occurs at a poorly conserved position in the protein, it is predicted to be benign by multiple in silico algorithms, and/or has population frequency not consistent with disease.